The following is an entry in ClinVar:

ClinVar aggregate classification (germline): Uncertain significance (1 of 4 stars; one submission).

gnomAD v4.1: 3 of 1,600,594 alleles (0.00019%); highest among the groups gnomAD compares: South Asian, 0.0022%; no homozygotes.

Submission:

GeneDx
Classification: Uncertain significance. Last evaluated: 2024-02-14. Review status: criteria provided, single submitter. Criteria: GeneDx Variant Classification Process June 2021. Collection method: clinical testing. Allele origin: germline. Affected: yes.
Comment: Not observed at significant frequency in large population cohorts (gnomAD); In silico analysis supports that this missense variant does not alter protein structure/function; Has not been previously published as pathogenic or benign to our knowledge

NM_016148.5(SHANK1):c.5342C>A (p.Thr1781Asn)

Gene: SHANK1 (SH3 and multiple ankyrin repeat domains 1; minus strand). Cytogenetic location: 19q13.33.
Variant type: single nucleotide variant.
Coding change: c.5342C>A on transcript NM_016148.5 (MANE Select); coding-DNA position 5342, C replaced by A.
Protein change: p.Thr1781Asn; replaces threonine 1781 with asparagine.
Molecular consequence: missense variant.
Genome position (GRCh38, 1-based): chr19:50,666,618, G>T on the plus strand (C>A on the coding strand, the complement: SHANK1 is on the minus strand). VCF-style: chr19-50666618-G-T. GRCh37 (hg19) VCF-style: chr19-51169875-G-T.
Other names: short protein forms T1781N.
Identifiers: ClinVar variation 3369129 (VCV003369129.1).